The following is an entry in ClinVar:

ClinVar aggregate classification (germline): Likely benign (0 of 4 stars; one submission).

Conditions:
SEMA3A-related disorder. Also called: SEMA3A-related condition.

gnomAD v4.1: 4 of 1,612,834 alleles (0.00025%); highest among the groups gnomAD compares: Admixed American, 0.0017%; no homozygotes.

Submission:

PreventionGenetics, part of Exact Sciences
Classification: Likely benign for SEMA3A-related condition. Last evaluated: 2022-04-07. Review status: no assertion criteria provided. Collection method: clinical testing. Allele origin: germline.
Comment: This variant is classified as likely benign based on ACMG/AMP sequence variant interpretation guidelines (Richards et al. 2015 PMID: 25741868, with internal and published modifications).

NM_006080.3(SEMA3A):c.312G>A (p.Lys104=)

Gene: SEMA3A (semaphorin 3A; minus strand). Cytogenetic location: 7q21.11.
Variant type: single nucleotide variant.
Coding change: c.312G>A on transcript NM_006080.3 (MANE Select); coding-DNA position 312, G replaced by A.
Protein change: p.Lys104=; no amino-acid change (lysine 104 retained).
Molecular consequence: synonymous variant.
Genome position (GRCh38, 1-based): chr7:84,129,144, C>T on the plus strand (G>A on the coding strand, the complement: SEMA3A is on the minus strand). VCF-style: chr7-84129144-C-T. GRCh37 (hg19) VCF-style: chr7-83758460-C-T.
Identifiers: ClinVar variation 3354107 (VCV003354107.1).